The following is an entry in ClinVar:

NM_000130.5(F5):c.5026T>C (p.Ser1676Pro)

Gene: F5 (coagulation factor V; minus strand). Cytogenetic location: 1q24.2.
Variant type: single nucleotide variant.
Coding change: c.5026T>C on transcript NM_000130.5 (MANE Select); coding-DNA position 5026, T replaced by C.
Protein change: p.Ser1676Pro; replaces serine 1676 with proline.
Molecular consequence: missense variant.
Genome position (GRCh38, 1-based): chr1:169,530,968, A>G on the plus strand (T>C on the coding strand, the complement: F5 is on the minus strand). VCF-style: chr1-169530968-A-G. GRCh37 (hg19) VCF-style: chr1-169500206-A-G.
Other names: short protein forms S1676P.
Identifiers: ClinVar variation 5036273 (VCV005036273.1).
Genomic context (GRCh38, chr1:169,530,968, plus strand): 5'-CCTTAAACCATTCAGGAGAGTCATCTTCATAAGTCTTTCCCTCTGATGATTTTTCATAGG[A>G]AAGTCCATGGGCATGTAGAGAATACGGTCTGGATGCTAAATTTTTAAAACGAACCTAGGA-3'
Protein context (NP_000121.2, residues 1666-1686): RPYSLHAHGL[Ser1676Pro]YEKSSEGKTY

ClinVar aggregate classification (germline): Uncertain significance (1 of 4 stars; one submission).

Conditions:
Inborn genetic diseases. Identifiers: MedGen C0950123, MeSH D030342.

Submission:

Ambry Genetics
Classification: Uncertain significance for Inborn genetic diseases. Last evaluated: 2026-06-25. Review status: criteria provided, single submitter. Criteria: Ambry Variant Classification Scheme 2023. Collection method: clinical testing. Allele origin: germline.
Comment: The p.S1676P variant (also known as c.5026T>C), located in coding exon 15 of the F5 gene, results from a T to C substitution at nucleotide position 5026. The serine at codon 1676 is replaced by proline, an amino acid with similar properties. This amino acid position is conserved. In addition, this alteration is predicted to be deleterious by in silico analysis. Based on the available evidence, the clinical significance of this variant remains unclear.